The following is an entry in ClinVar:

NM_001077350.3(NPRL3):c.768-2del

Genes: HBA-LCR (alpha-globin locus control region; plus strand), NPRL3 (NPR3 like, GATOR1 complex subunit; minus strand). Cytogenetic location: 16p13.3.
Variant type: Deletion.
Coding change: c.768-2del on transcript NM_001077350.3 (MANE Select); the canonical splice acceptor site of the intron before coding-DNA position 768, one base deleted (A; older notation c.768-2delA).
Molecular consequence: splice acceptor variant.
Genome position (GRCh38, 1-based): chr16:98,303, T deleted on the plus strand (A on the coding strand, the reverse complement: NPRL3 is on the minus strand). VCF-style (leftmost placement, unchanged base first): chr16-98302-CT-C. GRCh37 (hg19) VCF-style: chr16-148300-CT-C.
Other names: c.534-2del (NM_001243247.2); c.693-2del (NM_001243248.2, NM_001243249.2); c.231-2del (NM_001039476.3).
Identifiers: ClinVar variation 983137 (VCV000983137.2), dbSNP rs1899110688, ClinGen allele CA1139664210.

ClinVar aggregate classification (germline): Conflicting classifications of pathogenicity. Review status: criteria provided, conflicting classifications (1 of 4 stars). 2 submissions from 2 submitters: Likely pathogenic (1); Uncertain significance (1). Last evaluated 2025-12-09.

Conditions:
Epilepsy, familial focal, with variable foci 3 (FFEVF3). Identifiers: MedGen C4310708, MONDO:0014925, OMIM 617118.

Submissions (2):

3billion
Classification: Likely pathogenic for Epilepsy, familial focal, with variable foci 3. Last evaluated: 2025-12-09. Review status: criteria provided, single submitter. Criteria: ACMG Guidelines, 2015. Collection method: clinical testing. Allele origin: germline. Affected: yes.
Comment: The variant is not observed in the gnomAD v4.1.0 dataset. Predicted Consequence/Location: Canonical splice site: predicted to alter splicing and result in a loss or disruption of normal protein function. Multiple pathogenic loss-of-function variants are reported downstream of the variant. In silico tools predict the variant to alter splicing and produce an abnormal transcript [SpliceAI: 0.82 (spliceogenicity >=0.2, non-spliceogenicity <0.1)]. The variant has been reported as of uncertain significance (ClinVar ID: VCV000983137). Therefore, this variant is classified as Likely pathogenic according to the recommendation of ACMG/AMP guideline.

Institute of Human Genetics, University of Leipzig Medical Center
Classification: Uncertain significance for Epilepsy, familial focal, with variable foci 3. Last evaluated: 2019-01-01. Review status: criteria provided, single submitter. Criteria: ACMG Guidelines, 2015. Collection method: clinical testing. Allele origin: unknown. Affected: yes.